The following is an entry in ClinVar:

NM_004444.5(EPHB4):c.1961C>T (p.Thr654Met)

Gene: EPHB4 (EPH receptor B4; minus strand). Cytogenetic location: 7q22.1.
Variant type: single nucleotide variant.
Coding change: c.1961C>T on transcript NM_004444.5 (MANE Select); coding-DNA position 1961, C replaced by T.
Protein change: p.Thr654Met; replaces threonine 654 with methionine.
Molecular consequence: missense variant.
Genome position (GRCh38, 1-based): chr7:100,812,904, G>A on the plus strand (C>T on the coding strand, the complement: EPHB4 is on the minus strand). VCF-style: chr7-100812904-G-A. GRCh37 (hg19) VCF-style: chr7-100410526-G-A.
Other names: short protein forms T654M.
Identifiers: ClinVar variation 2462871 (VCV002462871.5), dbSNP rs765067395, ClinGen allele CA4392766.

ClinVar aggregate classification (germline): Conflicting classifications of pathogenicity. Review status: criteria provided, conflicting classifications (1 of 4 stars). 2 submissions from 2 submitters: Uncertain significance (1); Likely benign (1). Last evaluated 2023-08-01.

Conditions:
Cardiovascular phenotype. Identifiers: MedGen CN230736.

Allele frequency attached by ClinVar (database versions not stated): TOPMed 0.00002; gnomAD 0.00003; gnomAD exomes 0.00003; ExAC 0.00004.
gnomAD v4.1: 52 of 1,614,096 alleles (0.0032%); highest among the groups gnomAD compares: Admixed American, 0.0067%; no homozygotes.

Submissions (2):

Labcorp Genetics (formerly Invitae), Labcorp
Classification: Uncertain significance. Last evaluated: 2023-08-01. Review status: criteria provided, single submitter. Criteria: Invitae Variant Classification Sherloc (09022015). Collection method: clinical testing. Allele origin: germline.
Comment: In summary, the available evidence is currently insufficient to determine the role of this variant in disease. Therefore, it has been classified as a Variant of Uncertain Significance. Advanced modeling of protein sequence and biophysical properties (such as structural, functional, and spatial information, amino acid conservation, physicochemical variation, residue mobility, and thermodynamic stability) performed at Invitae indicates that this missense variant is not expected to disrupt EPHB4 protein function. ClinVar contains an entry for this variant (Variation ID: 2462871). This variant has not been reported in the literature in individuals affected with EPHB4-related conditions. This variant is present in population databases (rs765067395, gnomAD 0.006%). This sequence change replaces threonine, which is neutral and polar, with methionine, which is neutral and non-polar, at codon 654 of the EPHB4 protein (p.Thr654Met).

Ambry Genetics
Classification: Likely benign for Cardiovascular phenotype. Last evaluated: 2023-07-12. Review status: criteria provided, single submitter. Criteria: Ambry Variant Classification Scheme 2023. Collection method: clinical testing. Allele origin: germline.